The following is an entry in ClinVar:

NM_000051.4(ATM):c.4937A>G (p.Lys1646Arg)

Gene: ATM (ATM serine/threonine kinase; plus strand). Cytogenetic location: 11q22.3.
Variant type: single nucleotide variant.
Coding change: c.4937A>G on transcript NM_000051.4 (MANE Select); coding-DNA position 4937, A replaced by G.
Protein change: p.Lys1646Arg; replaces lysine 1646 with arginine.
Molecular consequence: missense variant.
Genome position (GRCh38, 1-based): chr11:108,297,314, A>G. VCF-style: chr11-108297314-A-G. GRCh37 (hg19) VCF-style: chr11-108168041-A-G.
Other names: c.4937A>G, p.Lys1646Arg (NM_001351834.2); short protein forms K1646R.
Identifiers: ClinVar variation 5032122 (VCV005032122.1).

ClinVar aggregate classification (germline): Uncertain significance (1 of 4 stars; one submission).

Conditions:
Hereditary cancer-predisposing syndrome. Also called: Neoplastic Syndromes, Hereditary; Tumor predisposition; Hereditary neoplastic syndrome; Hereditary Cancer Syndrome. Identifiers: Orphanet 140162, MedGen C0027672, MeSH D009386, MONDO:0015356.

Submission:

Ambry Genetics
Classification: Uncertain significance for Hereditary cancer-predisposing syndrome. Last evaluated: 2026-08-18. Review status: criteria provided, single submitter. Criteria: Ambry Variant Classification Scheme 2023. Collection method: clinical testing. Allele origin: germline.
Comment: The p.K1646R variant (also known as c.4937A>G), located in coding exon 32 of the ATM gene, results from an A to G substitution at nucleotide position 4937. The lysine at codon 1646 is replaced by arginine, an amino acid with highly similar properties. This amino acid position is well conserved in available vertebrate species. In addition, this alteration is predicted to be tolerated by in silico analysis. Based on the available evidence, the clinical significance of this variant remains unclear.